The following is an entry in ClinVar:

NM_005477.3(HCN4):c.2745T>A (p.Gly915=)

Gene: HCN4 (hyperpolarization activated cyclic nucleotide gated potassium channel 4; minus strand). Cytogenetic location: 15q24.1.
Variant type: single nucleotide variant.
Coding change: c.2745T>A on transcript NM_005477.3 (MANE Select); coding-DNA position 2745, T replaced by A.
Protein change: p.Gly915=; no amino-acid change (glycine 915 retained).
Molecular consequence: synonymous variant.
Genome position (GRCh38, 1-based): chr15:73,323,348, A>T on the plus strand (T>A on the coding strand, the complement: HCN4 is on the minus strand). VCF-style: chr15-73323348-A-T. GRCh37 (hg19) VCF-style: chr15-73615689-A-T.
Identifiers: ClinVar variation 518131 (VCV000518131.5), dbSNP rs1297073936, ClinGen allele CA491478314.

ClinVar aggregate classification (germline): Likely benign. Review status: criteria provided, multiple submitters, no conflicts (2 of 4 stars). 2 submissions from 2 submitters: Likely benign (2). Last evaluated 2021-12-21.

Conditions:
Brugada syndrome 8 (BRGDA8). Identifiers: Orphanet 130, MedGen C2751083, MONDO:0013148, OMIM 613123.

Allele frequency attached by ClinVar (database versions not stated): TOPMed 0.00001.

Submissions (2):

Labcorp Genetics (formerly Invitae), Labcorp
Classification: Likely benign for Brugada syndrome 8. Last evaluated: 2021-12-21. Review status: criteria provided, single submitter. Criteria: Invitae Variant Classification Sherloc (09022015). Collection method: clinical testing. Allele origin: germline.

GeneDx
Classification: Likely benign. Last evaluated: 2017-06-26. Review status: criteria provided, single submitter. Criteria: GeneDx Variant Classification (06012015). Collection method: clinical testing. Allele origin: germline. Affected: yes.
Comment: This variant is considered likely benign or benign based on one or more of the following criteria: it is a conservative change, it occurs at a poorly conserved position in the protein, it is predicted to be benign by multiple in silico algorithms, and/or has population frequency not consistent with disease.